The following is an entry in ClinVar:

ClinVar aggregate classification (germline): Uncertain significance (1 of 4 stars; one submission).

Conditions:
Immunodeficiency, common variable, 7. Identifiers: Orphanet 1572, Orphanet 696894, MedGen C3542922, MONDO:0013862, OMIM 614699.

Allele frequency attached by ClinVar (database versions not stated): gnomAD exomes below 0.00001.
gnomAD v4.1: 3 of 1,613,920 alleles (0.00019%); highest among the groups gnomAD compares: South Asian, 0.0011%; no homozygotes.

Submission:

Labcorp Genetics (formerly Invitae), Labcorp
Classification: Uncertain significance for Immunodeficiency, common variable, 7. Last evaluated: 2022-02-07. Review status: criteria provided, single submitter. Criteria: Invitae Variant Classification Sherloc (09022015). Collection method: clinical testing. Allele origin: germline.
Comment: This sequence change replaces glycine, which is neutral and non-polar, with glutamic acid, which is acidic and polar, at codon 540 of the CR2 protein (p.Gly540Glu). In summary, the available evidence is currently insufficient to determine the role of this variant in disease. Therefore, it has been classified as a Variant of Uncertain Significance. Algorithms developed to predict the effect of missense changes on protein structure and function are either unavailable or do not agree on the potential impact of this missense change (SIFT: "Tolerated"; PolyPhen-2: "Possibly Damaging"; Align-GVGD: "Class C0"). This variant has not been reported in the literature in individuals affected with CR2-related conditions. This variant is present in population databases (no rsID available, gnomAD 0.0009%).

NM_001006658.3(CR2):c.1619G>A (p.Gly540Glu)

Gene: CR2 (complement C3d receptor 2; plus strand). Cytogenetic location: 1q32.2.
Variant type: single nucleotide variant.
Coding change: c.1619G>A on transcript NM_001006658.3 (MANE Select); coding-DNA position 1619, G replaced by A.
Protein change: p.Gly540Glu; replaces glycine 540 with glutamic acid.
Molecular consequence: missense variant.
Genome position (GRCh38, 1-based): chr1:207,472,820, G>A. VCF-style: chr1-207472820-G-A. GRCh37 (hg19) VCF-style: chr1-207646165-G-A.
Other names: c.1619G>A, p.Gly540Glu (NM_001877.5); short protein forms G540E.
Identifiers: ClinVar variation 2088147 (VCV002088147.2), dbSNP rs1163220794, ClinGen allele CA344533656.